The following is an entry in ClinVar:

NM_022455.5(NSD1):c.5143G>T (p.Glu1715Ter)

Gene: NSD1 (nuclear receptor binding SET domain protein 1; plus strand). Cytogenetic location: 5q35.3.
Variant type: single nucleotide variant.
Coding change: c.5143G>T on transcript NM_022455.5 (MANE Select); coding-DNA position 5143, G replaced by T.
Protein change: p.Glu1715Ter; replaces glutamic acid 1715 with a stop codon.
Molecular consequence: nonsense.
Genome position (GRCh38, 1-based): chr5:177,260,165, G>T. VCF-style: chr5-177260165-G-T. GRCh37 (hg19) VCF-style: chr5-176687166-G-T.
Other names: c.4270G>T, p.Glu1424Ter (NM_001409309.1, NM_172349.5, NM_001365684.2 and 1 more transcripts); c.5143G>T, p.Glu1715Ter (NM_001409301.1, NM_001409302.1, NM_001409303.1); c.4723G>T, p.Glu1575Ter (NM_001409304.1); c.4390G>T, p.Glu1464Ter (NM_001409305.1); c.4381G>T, p.Glu1461Ter (NM_001409306.1, NM_001409307.1); short protein forms E1446*, E1424*, E1461*, E1464*, E1715*, E1575*.
Identifiers: ClinVar variation 2030763 (VCV002030763.4), dbSNP rs2480679840, ClinGen allele CA362303421.

ClinVar aggregate classification (germline): Pathogenic (1 of 4 stars; one submission).

Submission:

Labcorp Genetics (formerly Invitae), Labcorp
Classification: Pathogenic. Last evaluated: 2022-09-16. Review status: criteria provided, single submitter. Criteria: Invitae Variant Classification Sherloc (09022015). Collection method: clinical testing. Allele origin: germline.
Comment: This sequence change creates a premature translational stop signal (p.Glu1715*) in the NSD1 gene. It is expected to result in an absent or disrupted protein product. Loss-of-function variants in NSD1 are known to be pathogenic (PMID: 12464997, 14571271, 15942875, 16247291). This variant is not present in population databases (gnomAD no frequency). This variant has not been reported in the literature in individuals affected with NSD1-related conditions. For these reasons, this variant has been classified as Pathogenic.

Literature cited by the submitters: PubMed 12464997; PubMed 14571271; PubMed 15942875; PubMed 16247291.